The following is an entry in ClinVar:

ClinVar aggregate classification (germline): Benign. Review status: criteria provided, multiple submitters, no conflicts (2 of 4 stars). 7 submissions from 7 submitters: Benign (6). 1 of the submissions does not count toward it. Last evaluated 2026-05-08.

Conditions:
IGFALS-related disorder. Also called: IGFALS-related condition.
Short stature due to primary acid-labile subunit deficiency. Also called: Acid-labile subunit, deficiency of; Acid-labile subunit deficiency. Identifiers: Orphanet 140941, MedGen C3900122, MONDO:0014420, OMIM 615961.

Allele frequency attached by ClinVar (database versions not stated): 1000 Genomes Project 0.78415; 1000 Genomes Project 30x 0.78670; gnomAD 0.79384; ESP Exome Variant Server 0.81986; TOPMed 0.81993.

Submissions (7):

Women's Health and Genetics/Laboratory Corporation of America, LabCorp
Classification: Benign. Last evaluated: 2026-05-08. Review status: criteria provided, single submitter. Criteria: LabCorp Variant Classification Summary - May 2015. Collection method: clinical testing. Allele origin: germline.

Blueprint Genetics
Classification: Benign. Last evaluated: 2024-11-27. Review status: criteria provided, single submitter. Criteria: ACMG Guidelines, 2015. Collection method: clinical testing. Allele origin: germline.

Genome-Nilou Lab
Classification: Benign for Short stature due to primary acid-labile subunit deficiency. Last evaluated: 2021-07-14. Review status: criteria provided, single submitter. Criteria: ACMG Guidelines, 2015. Collection method: clinical testing. Allele origin: germline. Affected: no.

GeneDx
Classification: Benign. Last evaluated: 2021-01-20. Review status: criteria provided, single submitter. Criteria: GeneDx Variant Classification Process June 2021. Collection method: clinical testing. Allele origin: germline. Affected: yes.

Illumina Laboratory Services, Illumina
Classification: Benign for Short stature due to primary acid-labile subunit deficiency. Last evaluated: 2018-01-13. Review status: criteria provided, single submitter. Criteria: ICSL Variant Classification Criteria 13 December 2019. Collection method: clinical testing. Allele origin: germline.
Comment: This variant was observed in the ICSL laboratory as part of a predisposition screen in an ostensibly healthy population. It had not been previously curated by ICSL or reported in the Human Gene Mutation Database (HGMD: prior to June 1st, 2018), and was therefore a candidate for classification through an automated scoring system. Utilizing variant allele frequency, disease prevalence and penetrance estimates, and inheritance mode, an automated score was calculated to assess if this variant is too frequent to cause the disease. Based on the score and internal cut-off values, a variant classified as benign is not then subjected to further curation. The score for this variant resulted in a classification of benign for this disease.

Breakthrough Genomics
Classification: Benign. Review status: criteria provided, single submitter. Criteria: ACMG Guidelines, 2015. Collection method: not provided. Allele origin: germline. Inheritance: Autosomal recessive inheritance. Affected: yes.

PreventionGenetics, part of Exact Sciences
Classification: Benign for IGFALS-related condition. Last evaluated: 2019-05-17. Review status: no assertion criteria provided. Collection method: clinical testing. Allele origin: germline. Not counted in ClinVar's aggregate classification.
Comment: This variant is classified as benign based on ACMG/AMP sequence variant interpretation guidelines (Richards et al. 2015 PMID: 25741868, with internal and published modifications).

NM_004970.3(IGFALS):c.210T>C (p.Asp70=)

Gene: IGFALS (insulin like growth factor binding protein acid labile subunit; minus strand). Cytogenetic location: 16p13.3.
Variant type: single nucleotide variant.
Coding change: c.210T>C on transcript NM_004970.3 (MANE Select); coding-DNA position 210, T replaced by C.
Protein change: p.Asp70=; no amino-acid change (aspartic acid 70 retained).
Molecular consequence: synonymous variant. On other transcripts: non-coding transcript variant (1).
Genome position (GRCh38, 1-based): chr16:1,792,208, A>G on the plus strand (T>C on the coding strand, the complement: IGFALS is on the minus strand). VCF-style: chr16-1792208-A-G. GRCh37 (hg19) VCF-style: chr16-1842209-A-G.
Other names: c.324T>C, p.Asp108= (NM_001146006.2).
Identifiers: ClinVar variation 318265 (VCV000318265.15), dbSNP rs3751893, ClinGen allele CA7820674.